The following is an entry in ClinVar:

NM_174936.4(PCSK9):c.1556G>C (p.Gly519Ala)

Gene: PCSK9 (proprotein convertase subtilisin/kexin type 9; plus strand). Cytogenetic location: 1p32.3.
Variant type: single nucleotide variant.
Coding change: c.1556G>C on transcript NM_174936.4 (MANE Select); coding-DNA position 1556, G replaced by C.
Protein change: p.Gly519Ala; replaces glycine 519 with alanine.
Molecular consequence: missense variant. On other transcripts: non-coding transcript variant (7), intron variant (1).
Genome position (GRCh38, 1-based): chr1:55,059,538, G>C. VCF-style: chr1-55059538-G-C. GRCh37 (hg19) VCF-style: chr1-55525211-G-C.
Other names: c.1181-1837G>C (NM_001407247.1); c.1679G>C, p.Gly560Ala (NM_001407240.1); c.1598G>C, p.Gly533Ala (NM_001407241.1); c.1559G>C, p.Gly520Ala (NM_001407242.1); c.1499G>C, p.Gly500Ala (NM_001407243.1); c.1382G>C, p.Gly461Ala (NM_001407244.1); c.1364G>C, p.Gly455Ala (NM_001407245.1); c.1181G>C, p.Gly394Ala (NM_001407246.1); short protein forms G394A, G455A, G461A, G500A, G519A, G520A, G533A, G560A.
Identifiers: ClinVar variation 3894152 (VCV003894152.1).

ClinVar aggregate classification (germline): Uncertain significance (1 of 4 stars; one submission).

Conditions:
Familial hypercholesterolemia. Also called: Familial hypercholesterolaemia. Identifiers: MedGen C0020445, MONDO:0005439.

Submission:

Color Diagnostics, LLC DBA Color Health
Classification: Uncertain significance for Familial hypercholesterolemia. Last evaluated: 2024-11-04. Review status: criteria provided, single submitter. Criteria: ACMG Guidelines, 2015. Collection method: clinical testing. Allele origin: germline.
Comment: This missense variant replaces glycine with alanine at codon 519 of the PCSK9 protein. Computational prediction suggests that this variant may not impact protein structure and function. To our knowledge, functional studies have not been reported for this variant. This variant has not been reported in individuals affected with PCSK9-related disorders in the literature. This variant has not been identified in the general population by the Genome Aggregation Database (gnomAD). The available evidence is insufficient to determine the role of this variant in disease conclusively. Therefore, this variant is classified as a Variant of Uncertain Significance.